The following is an entry in ClinVar:

NM_181426.2(CCDC39):c.1019A>G (p.His340Arg)

Gene: CCDC39 (coiled-coil domain 39 molecular ruler complex subunit; minus strand). Cytogenetic location: 3q26.33.
Variant type: single nucleotide variant.
Coding change: c.1019A>G on transcript NM_181426.2 (MANE Select); coding-DNA position 1019, A replaced by G.
Protein change: p.His340Arg; replaces histidine 340 with arginine.
Molecular consequence: missense variant.
Genome position (GRCh38, 1-based): chr3:180,652,178, T>C on the plus strand (A>G on the coding strand, the complement: CCDC39 is on the minus strand). VCF-style: chr3-180652178-T-C. GRCh37 (hg19) VCF-style: chr3-180369966-T-C.
Other names: short protein forms H340R.
Identifiers: ClinVar variation 1423874 (VCV001423874.6), dbSNP rs2108424748, ClinGen allele CA355299266.
Genomic context (GRCh38, chr3:180,652,178, plus strand): 5'-TAGTAAAAAATAATCATAAACATATTTAGATAGTTTTTTTCTTACCTTGCTGTTTCTTCA[T>C]GAATGTCCTTCTTTATCTTGGAAATATTTTTCCTCAGAGCTTCTAAATCACTGGAAGTTC-3'
Protein context (NP_852091.1, residues 330-350): KNISKIKKDI[His340Arg]EETARLQKTK

ClinVar aggregate classification (germline): Uncertain significance (1 of 4 stars; one submission).

Conditions:
Primary ciliary dyskinesia. Also called: Ciliary dyskinesia. Identifiers: Orphanet 244, MedGen C0008780, MONDO:0016575, HP:0012265.

Submission:

Labcorp Genetics (formerly Invitae), Labcorp
Classification: Uncertain significance for Primary ciliary dyskinesia. Last evaluated: 2021-10-31. Review status: criteria provided, single submitter. Criteria: Invitae Variant Classification Sherloc (09022015). Collection method: clinical testing. Allele origin: germline.
Comment: This variant is not present in population databases (gnomAD no frequency). This sequence change replaces histidine, which is basic and polar, with arginine, which is basic and polar, at codon 340 of the CCDC39 protein (p.His340Arg). This variant has not been reported in the literature in individuals affected with CCDC39-related conditions. Algorithms developed to predict the effect of missense changes on protein structure and function (SIFT, PolyPhen-2, Align-GVGD) all suggest that this variant is likely to be tolerated. In summary, the available evidence is currently insufficient to determine the role of this variant in disease. Therefore, it has been classified as a Variant of Uncertain Significance.